The following is an entry in ClinVar:

ClinVar aggregate classification (germline): Uncertain significance (1 of 4 stars; one submission).

gnomAD v4.1: 1 of 1,311,280 alleles (0.000076%); highest among the groups gnomAD compares: Non-Finnish European, 0.000096%; no homozygotes.

Submission:

Labcorp Genetics (formerly Invitae), Labcorp
Classification: Uncertain significance. Last evaluated: 2022-03-03. Review status: criteria provided, single submitter. Criteria: Invitae Variant Classification Sherloc (09022015). Collection method: clinical testing. Allele origin: germline.
Comment: In summary, the available evidence is currently insufficient to determine the role of this variant in disease. Therefore, it has been classified as a Variant of Uncertain Significance. Algorithms developed to predict the effect of sequence changes on RNA splicing suggest that this variant may create or strengthen a splice site. Algorithms developed to predict the effect of missense changes on protein structure and function are either unavailable or do not agree on the potential impact of this missense change (SIFT: "Deleterious"; PolyPhen-2: "Not Available"; Align-GVGD: "Class C0"). ClinVar contains an entry for this variant (Variation ID: 1051206). This variant has not been reported in the literature in individuals affected with HES7-related conditions. This variant is not present in population databases (gnomAD no frequency). This sequence change replaces proline, which is neutral and non-polar, with alanine, which is neutral and non-polar, at codon 223 of the HES7 protein (p.Pro223Ala).

NM_001165967.2(HES7):c.682C>G (p.Pro228Ala)

Genes: HES7 (hes family bHLH transcription factor 7; minus strand), LOC130060203 (ATAC-STARR-seq lymphoblastoid silent region 8155; plus strand). Cytogenetic location: 17p13.1.
Variant type: single nucleotide variant.
Coding change: c.682C>G on transcript NM_001165967.2 (MANE Select); coding-DNA position 682, C replaced by G.
Protein change: p.Pro228Ala; replaces proline 228 with alanine.
Molecular consequence: missense variant.
Genome position (GRCh38, 1-based): chr17:8,121,582, G>C on the plus strand (C>G on the coding strand, the complement: HES7 is on the minus strand). VCF-style: chr17-8121582-G-C. GRCh37 (hg19) VCF-style: chr17-8024900-G-C.
Other names: c.667C>G, p.Pro223Ala (NM_032580.4); short protein forms P223A, P228A.
Identifiers: ClinVar variation 1051206 (VCV001051206.9), dbSNP rs896956362, ClinGen allele CA397986865.